The following is an entry in ClinVar:

ClinVar aggregate classification (germline): Likely benign. Review status: criteria provided, multiple submitters, no conflicts (2 of 4 stars). 3 submissions from 3 submitters: Likely benign (3). Last evaluated 2026-07-01.

Allele frequency attached by ClinVar (database versions not stated): TOPMed 0.00002; gnomAD exomes 0.00003 and 0.00006; ExAC 0.00008.
gnomAD v4.1: 16 of 1,612,850 alleles (0.00099%); highest among the groups gnomAD compares: Admixed American, 0.027%; no homozygotes.

Submissions (3):

CeGaT Center for Human Genetics Tuebingen
Classification: Likely benign. Last evaluated: 2026-07-01. Review status: criteria provided, single submitter. Criteria: CeGaT Center For Human Genetics Tuebingen Variant Classification Criteria Version 2. Collection method: clinical testing. Allele origin: germline. Affected: yes. Observed: 1 variant allele.
Comment: RTTN: BP4, BP7

Labcorp Genetics (formerly Invitae), Labcorp
Classification: Likely benign. Last evaluated: 2024-10-12. Review status: criteria provided, single submitter. Criteria: Invitae Variant Classification Sherloc (09022015). Collection method: clinical testing. Allele origin: germline.

Blueprint Genetics
Classification: Likely benign. Last evaluated: 2020-11-04. Review status: criteria provided, single submitter. Criteria: ACMG Guidelines, 2015. Collection method: clinical testing. Allele origin: germline.

NM_173630.4(RTTN):c.5682A>G (p.Lys1894=)

Gene: RTTN (rotatin; minus strand). Cytogenetic location: 18q22.2.
Variant type: single nucleotide variant.
Coding change: c.5682A>G on transcript NM_173630.4 (MANE Select); coding-DNA position 5682, A replaced by G.
Protein change: p.Lys1894=; no amino-acid change (lysine 1894 retained).
Molecular consequence: synonymous variant.
Genome position (GRCh38, 1-based): chr18:70,030,075, T>C on the plus strand (A>G on the coding strand, the complement: RTTN is on the minus strand). VCF-style: chr18-70030075-T-C. GRCh37 (hg19) VCF-style: chr18-67697311-T-C.
Other names: c.2946A>G, p.Lys982= (NM_001318520.2).
Identifiers: ClinVar variation 1658305 (VCV001658305.10), dbSNP rs745509191, ClinGen allele CA8994878.